The following is an entry in ClinVar:

ClinVar aggregate classification (germline): Benign. Review status: criteria provided, multiple submitters, no conflicts (2 of 4 stars). 8 submissions from 8 submitters: Benign (8). Last evaluated 2026-02-04.

Conditions:
Oculotrichoanal syndrome (MOTA). Also called: MARLES SYNDROME; Manitoba Oculotrichoanal (MOTA) Syndrome. Identifiers: Orphanet 2717, MedGen C1855425, MONDO:0009560, OMIM 248450.

Allele frequency attached by ClinVar (database versions not stated): 1000 Genomes Project 0.25419; 1000 Genomes Project 30x 0.26109; gnomAD exomes 0.32179; TOPMed 0.32282; ExAC 0.32681; gnomAD 0.34087 and 0.34768; ESP Exome Variant Server 0.36253.
gnomAD v4.1: 595,626 of 1,611,316 alleles (37%); highest among the groups gnomAD compares: Non-Finnish European, 40%; 115,271 homozygotes.

Submissions (8):

Labcorp Genetics (formerly Invitae), Labcorp
Classification: Benign. Last evaluated: 2026-02-04. Review status: criteria provided, single submitter. Criteria: Invitae Variant Classification Sherloc (09022015). Collection method: clinical testing. Allele origin: germline.

Blueprint Genetics
Classification: Benign. Last evaluated: 2024-11-27. Review status: criteria provided, single submitter. Criteria: ACMG Guidelines, 2015. Collection method: clinical testing. Allele origin: germline.

Mayo Clinic Laboratories, Mayo Clinic
Classification: Benign. Last evaluated: 2022-03-09. Review status: criteria provided, single submitter. Criteria: ACMG Guidelines, 2015. Collection method: clinical testing. Allele origin: germline. Observed: 42 variant alleles.

Genome-Nilou Lab
Classification: Benign for Oculotrichoanal syndrome. Last evaluated: 2021-08-10. Review status: criteria provided, single submitter. Criteria: ACMG Guidelines, 2015. Collection method: clinical testing. Allele origin: germline. Affected: no.

GeneDx
Classification: Benign. Last evaluated: 2021-05-04. Review status: criteria provided, single submitter. Criteria: GeneDx Variant Classification Process June 2021. Collection method: clinical testing. Allele origin: germline. Affected: yes.

Illumina Laboratory Services, Illumina
Classification: Benign for Oculotrichoanal syndrome. Last evaluated: 2018-01-13. Review status: criteria provided, single submitter. Criteria: ICSL Variant Classification Criteria 13 December 2019. Collection method: clinical testing. Allele origin: germline.
Comment: This variant was observed in the ICSL laboratory as part of a predisposition screen in an ostensibly healthy population. It had not been previously curated by ICSL or reported in the Human Gene Mutation Database (HGMD: prior to June 1st, 2018), and was therefore a candidate for classification through an automated scoring system. Utilizing variant allele frequency, disease prevalence and penetrance estimates, and inheritance mode, an automated score was calculated to assess if this variant is too frequent to cause the disease. Based on the score and internal cut-off values, a variant classified as benign is not then subjected to further curation. The score for this variant resulted in a classification of benign for this disease.

Breakthrough Genomics
Classification: Benign. Review status: criteria provided, single submitter. Criteria: ACMG Guidelines, 2015. Collection method: not provided. Allele origin: germline. Inheritance: Autosomal recessive inheritance. Affected: yes.

PreventionGenetics, part of Exact Sciences
Classification: Benign. Review status: criteria provided, single submitter. Criteria: ACMG Guidelines, 2015. Collection method: clinical testing. Allele origin: germline.

NM_001379081.2(FREM1):c.5004C>A (p.Ile1668=)

Gene: FREM1 (FRAS1 related extracellular matrix 1; minus strand). Cytogenetic location: 9p22.3.
Variant type: single nucleotide variant.
Coding change: c.5004C>A on transcript NM_001379081.2 (MANE Select); coding-DNA position 5004, C replaced by A.
Protein change: p.Ile1668=; no amino-acid change (isoleucine 1668 retained).
Molecular consequence: synonymous variant. On other transcripts: non-coding transcript variant (2).
Genome position (GRCh38, 1-based): chr9:14,770,660, G>T on the plus strand (C>A on the coding strand, the complement: FREM1 is on the minus strand). VCF-style: chr9-14770660-G-T. GRCh37 (hg19) VCF-style: chr9-14770658-G-T.
Other names: p.Ile1668=; c.612C>A, p.Ile204= (NM_001177704.3, NM_001370058.2, NM_001370061.2); c.5004C>A, p.Ile1668= (NM_144966.7).
Identifiers: ClinVar variation 262543 (VCV000262543.19), dbSNP rs17219005, ClinGen allele CA4989938.